The following is an entry in ClinVar:

NM_000268.4(NF2):c.1738-3C>G

Gene: NF2 (NF2, moesin-ezrin-radixin like (MERLIN) tumor suppressor; plus strand). Cytogenetic location: 22q12.2.
Variant type: single nucleotide variant.
Coding change: c.1738-3C>G on transcript NM_000268.4 (MANE Select); 3 bases into the intron before coding-DNA position 1738, C replaced by G.
Molecular consequence: intron variant.
Genome position (GRCh38, 1-based): chr22:29,694,749, C>G. VCF-style: chr22-29694749-C-G. GRCh37 (hg19) VCF-style: chr22-30090738-C-G.
Other names: c.1738-3C>G (NM_000268.3); c.1575-3C>G (NM_001407060.1); c.*10-3C>G (NM_001407059.1, NM_181829.3, NM_181828.3 and 5 more transcripts); c.1603-3C>G (NM_001407057.1); c.448-3C>G (NM_181833.3); c.*25-3C>G (NM_001407058.1, NM_001407063.1, NM_181832.3); c.1615-3C>G (NM_001407054.1); c.1480-3C>G (NM_001407062.1); and 3 more.
Identifiers: ClinVar variation 2740955 (VCV002740955.6), dbSNP rs2147171627, ClinGen allele CA2656032902.

ClinVar aggregate classification (germline): Uncertain significance. Review status: criteria provided, multiple submitters, no conflicts (2 of 4 stars). 3 submissions from 3 submitters: Uncertain significance (3). Last evaluated 2025-11-19.

Conditions:
Neurofibromatosis, type 2 (SWNV). Also called: BILATERAL ACOUSTIC NEUROFIBROMATOSIS; NF2-Related Schwannomatosis; SCHWANNOMATOSIS, VESTIBULAR. Identifiers: Orphanet 637, MedGen C0027832, MONDO:0007039, OMIM 101000. Disease mechanism: loss of function.
Hereditary cancer-predisposing syndrome. Also called: Neoplastic Syndromes, Hereditary; Tumor predisposition; Hereditary neoplastic syndrome; Hereditary Cancer Syndrome. Identifiers: Orphanet 140162, MedGen C0027672, MeSH D009386, MONDO:0015356.

gnomAD v4.1: 2 of 1,613,776 alleles (0.00012%); highest among the groups gnomAD compares: Non-Finnish European, 0.00017%; no homozygotes.

Submissions (3):

Labcorp Genetics (formerly Invitae), Labcorp
Classification: Uncertain significance for Neurofibromatosis, type 2. Last evaluated: 2025-11-19. Review status: criteria provided, single submitter. Criteria: Invitae Variant Classification Sherloc (09022015). Collection method: clinical testing. Allele origin: germline.
Comment: This sequence change falls in intron 15 of the NF2 gene. It does not directly change the encoded amino acid sequence of the NF2 protein. It affects a nucleotide within the consensus splice site. This variant is not present in population databases (gnomAD no frequency). This variant has not been reported in the literature in individuals affected with NF2-related conditions. ClinVar contains an entry for this variant (Variation ID: 2740955). Variants that disrupt the consensus splice site are a relatively common cause of aberrant splicing (PMID: 17576681, 9536098). Algorithms developed to predict the effect of sequence changes on RNA splicing suggest that this variant may disrupt the consensus splice site. In summary, the available evidence is currently insufficient to determine the role of this variant in disease. Therefore, it has been classified as a Variant of Uncertain Significance.

Dasa
Classification: Uncertain significance. Last evaluated: 2025-05-23. Review status: criteria provided, single submitter. Criteria: DASA Assertion Criteria. Collection method: clinical testing. Allele origin: germline.
Comment: NM_000268.4(NF2):c.1738-3C>G is a splice-region variant predicted to affect normal RNA splicing. This variant is rare in population databases. Computational prediction algorithms are consistent with a deleterious effect. The currently available literature and clinical evidence are not sufficient to establish a definitive association between this variant and the reported condition. Therefore, this variant is classified as a variant of uncertain significance.

Ambry Genetics
Classification: Uncertain significance for Hereditary cancer-predisposing syndrome. Last evaluated: 2024-10-24. Review status: criteria provided, single submitter. Criteria: Ambry Variant Classification Scheme 2023. Collection method: clinical testing. Allele origin: germline.
Comment: The c.1738-3C>G intronic variant results from a C to G substitution 3 nucleotides upstream from coding exon 16 in the NF2 gene. This nucleotide position is highly conserved in available vertebrate species. In silico splice site analysis predicts that this alteration will weaken the native splice acceptor site. Based on the available evidence, the clinical significance of this variant remains unclear.

Literature cited by the submitters: PubMed 17576681 (cited by Labcorp Genetics (formerly Invitae), Labcorp); PubMed 9536098 (cited by Labcorp Genetics (formerly Invitae), Labcorp).